The following is an entry in ClinVar:

NM_000038.6(APC):c.6555_6559del (p.Ser2185fs)

Gene: APC (APC regulator of Wnt signaling pathway; plus strand). Cytogenetic location: 5q22.2.
Variant type: Deletion.
Coding change: c.6555_6559del on transcript NM_000038.6 (MANE Select); coding-DNA positions 6555 to 6559, 5 bases deleted (TAAAG; older notation c.6555_6559delTAAAG).
Protein change: p.Ser2185fs; shifts the reading frame from serine 2185.
Molecular consequence: frameshift variant.
Genome position (GRCh38, 1-based): chr5:112,842,149-112,842,153, TAAAG deleted; deleting any 5 consecutive bases within chr5:112,842,145-112,842,153 gives the same sequence; the c. name uses the placement nearest the transcript's 3' end. VCF-style (leftmost placement, unchanged base first): chr5-112842144-GAAAGT-G. GRCh37 (hg19) VCF-style: chr5-112177841-GAAAGT-G.
Other names: c.6555_6559del, p.Ser2185fs (NM_001127510.3, NM_001354895.2); c.6501_6505del, p.Ser2167fs (NM_001127511.3); c.6609_6613del, p.Ser2203fs (NM_001354896.2); c.6585_6589del, p.Ser2195fs (NM_001354897.2); c.6480_6484del, p.Ser2160fs (NM_001354898.2); c.6471_6475del, p.Ser2157fs (NM_001354899.2); c.6432_6436del, p.Ser2144fs (NM_001354900.2); c.6378_6382del, p.Ser2126fs (NM_001354901.2); and 5 more; short protein forms S2025fs, S2126fs, S2144fs, S1902fs, S2084fs, S2094fs, S2157fs, S2160fs.
Identifiers: ClinVar variation 826482 (VCV000826482.6), dbSNP rs1580671859, ClinGen allele CA915943516.

ClinVar aggregate classification (germline): Pathogenic. Review status: criteria provided, multiple submitters, no conflicts (2 of 4 stars). 2 submissions from 2 submitters: Pathogenic (2). Last evaluated 2023-05-15.

Conditions:
Familial adenomatous polyposis 1 (FAP1). Also called: POLYPOSIS, ADENOMATOUS INTESTINAL; FAMILIAL ADENOMATOUS POLYPOSIS 1, ATTENUATED. Identifiers: MedGen C2713442, MONDO:0021056, OMIM 175100. Disease mechanism: loss of function.
Hereditary cancer-predisposing syndrome. Also called: Neoplastic Syndromes, Hereditary; Tumor predisposition; Hereditary neoplastic syndrome; Hereditary Cancer Syndrome. Identifiers: Orphanet 140162, MedGen C0027672, MeSH D009386, MONDO:0015356.

Submissions (2):

Myriad Genetics, Inc.
Classification: Pathogenic for Familial adenomatous polyposis 1. Last evaluated: 2023-05-15. Review status: criteria provided, single submitter. Criteria: Myriad Autosomal Dominant, Autosomal Recessive and X-Linked Classification Criteria (2023). Collection method: clinical testing. Allele origin: unknown.
Comment: This variant is considered pathogenic. This variant creates a frameshift predicted to result in premature protein truncation.

Ambry Genetics
Classification: Pathogenic for Hereditary cancer-predisposing syndrome. Last evaluated: 2018-02-14. Review status: criteria provided, single submitter. Criteria: Ambry Variant Classification Scheme 2023. Collection method: clinical testing. Allele origin: germline.
Comment: The c.6555_6559delTAAAG pathogenic mutation, located in coding exon 15 of the APC gene, results from a deletion of 5 nucleotides at nucleotide positions 6555 to 6559, causing a translational frameshift with a predicted alternate stop codon (p.S2185Rfs*10). This alteration is expected to result in loss of function by premature protein truncation. As such, this alteration is interpreted as a disease-causing mutation.